The following is an entry in ClinVar:

NM_016235.3(GPRC5B):c.940A>G (p.Arg314Gly)

Gene: GPRC5B (G protein-coupled receptor class C group 5 member B; minus strand). Cytogenetic location: 16p12.3.
Variant type: single nucleotide variant.
Coding change: c.940A>G on transcript NM_016235.3 (MANE Select); coding-DNA position 940, A replaced by G.
Protein change: p.Arg314Gly; replaces arginine 314 with glycine.
Molecular consequence: missense variant.
Genome position (GRCh38, 1-based): chr16:19,871,906, T>C on the plus strand (A>G on the coding strand, the complement: GPRC5B is on the minus strand). VCF-style: chr16-19871906-T-C. GRCh37 (hg19) VCF-style: chr16-19883228-T-C.
Other names: c.1333A>G, p.Arg445Gly (NM_001304771.1); short protein forms R445G, R314G.
Identifiers: ClinVar variation 4988834 (VCV004988834.1).
Genomic context (GRCh38, chr16:19,871,906, plus strand): 5'-TGTTCTCCATATAGGCCCGCGGCAGCTGCACGTCCTCCTCGAAGGCCGTCTCCCGCATCC[T>C]GGGCTGCGACGTGTCGAAGTAGTTGGGCGTGTTCTCCTGCAGGGCTGGCAGAAGGGTGCA-3'
Protein context (NP_057319.1, residues 304-324): TPNYFDTSQP[Arg314Gly]MRETAFEEDV

ClinVar aggregate classification (germline): Likely benign (1 of 4 stars; one submission).

Conditions:
GPRC5B-related condition.

gnomAD v4.1: 1,958 of 1,614,044 alleles (0.12%); highest among the groups gnomAD compares: Non-Finnish European, 0.14%; 5 homozygotes.

Submission:

PreventionGenetics, part of Exact Sciences
Classification: Likely benign for GPRC5B-related condition. Last evaluated: 2026-03-06. Review status: criteria provided, single submitter. Criteria: ACMG Guidelines, 2015. Collection method: clinical testing. Allele origin: germline.
Comment: This variant is classified as likely benign based on ACMG/AMP sequence variant interpretation guidelines (Richards et al. 2015 PMID: 25741868, with internal and published modifications).